The following is an entry in ClinVar:

NM_000748.3(CHRNB2):c.1409_1414del (p.Cys470_Val471del)

Gene: CHRNB2 (cholinergic receptor nicotinic beta 2 subunit; plus strand). Cytogenetic location: 1q21.3.
Variant type: Deletion.
Coding change: c.1409_1414del on transcript NM_000748.3 (MANE Select); coding-DNA positions 1409 to 1414, 6 bases deleted (GTGTCT; older notation c.1409_1414delGTGTCT).
Protein change: p.Cys470_Val471del.
Molecular consequence: inframe deletion.
Genome position (GRCh38, 1-based): chr1:154,575,832-154,575,837, GTGTCT deleted; deleting any 6 consecutive bases within chr1:154,575,827-154,575,837 gives the same sequence; the c. name uses the placement nearest the transcript's 3' end. VCF-style (leftmost placement, unchanged base first): chr1-154575826-TTGTCTG-T. GRCh37 (hg19) VCF-style: chr1-154548302-TTGTCTG-T.
Identifiers: ClinVar variation 4536232 (VCV004536232.1).

ClinVar aggregate classification (germline): Uncertain significance (1 of 4 stars; one submission).

Submission:

GeneDx
Classification: Uncertain significance. Last evaluated: 2025-06-04. Review status: criteria provided, single submitter. Criteria: GeneDx Variant Classification Process June 2021. Collection method: clinical testing. Allele origin: germline. Affected: yes.
Comment: Not observed at significant frequency in large population cohorts (gnomAD); In-frame deletion of 2 amino acid(s) in a non-repeat region; In silico analysis suggests that this variant does not alter protein structure/function; Has not been previously published as pathogenic or benign to our knowledge